The following is an entry in ClinVar:

NM_001148.6(ANK2):c.10858T>A (p.Trp3620Arg)

Gene: ANK2 (ankyrin 2; plus strand). Cytogenetic location: 4q26.
Variant type: single nucleotide variant.
Coding change: c.10858T>A on transcript NM_001148.6 (MANE Select); coding-DNA position 10858, T replaced by A.
Protein change: p.Trp3620Arg; replaces tryptophan 3620 with arginine.
Molecular consequence: missense variant.
Genome position (GRCh38, 1-based): chr4:113,363,439, T>A. VCF-style: chr4-113363439-T-A. GRCh37 (hg19) VCF-style: chr4-114284595-T-A.
Other names: c.10858T>A (LRG_327t1); c.4576T>A, p.Trp1526Arg (NM_001127493.3); c.4615T>A, p.Trp1539Arg (NM_001354225.2); c.4504T>A, p.Trp1502Arg (NM_001354228.2, NM_001354258.2); c.4582T>A, p.Trp1528Arg (NM_001354230.2); c.4645T>A, p.Trp1549Arg (NM_001354231.2, NM_001354242.2); c.4639T>A, p.Trp1547Arg (NM_001354232.2); c.4600T>A, p.Trp1534Arg (NM_001354235.2, NM_001354246.2, NM_001354265.2); and 36 more; short protein forms W1526R, W3620R, W1435R, W1440R, W1473R, W1514R, W1518R, W1525R.
Identifiers: ClinVar variation 67596 (VCV000067596.10), dbSNP rs199473346, ClinGen allele CA300933.
Genomic context (GRCh38, chr4:113,363,439, plus strand): 5'-CAAATTCGAATTGAAAATCCCAACTCTCTTCAAGACCAGAGTCATGCACTGTTGAAGTAC[T>A]GGCTAGAGAGGGATGGGAAACATGCTACAGGTAAGTGGGGAACTATATGCATATTGGGCT-3'
Protein context (NP_001139.3, residues 3610-3630): QDQSHALLKY[Trp3620Arg]LERDGKHATD

ClinVar aggregate classification (germline): Conflicting classifications of pathogenicity. Review status: criteria provided, conflicting classifications (1 of 4 stars). 3 submissions from 3 submitters: Likely pathogenic (1); Uncertain significance (1). 1 of the submissions does not count toward it. Last evaluated 2018-09-13.

Conditions:
Familial long QT syndrome (RWS). Also called: Congenital long QT syndrome; Romano-Ward syndrome; VENTRICULAR FIBRILLATION WITH PROLONGED QT INTERVAL. Identifiers: Orphanet 768, MedGen C1141890, MONDO:0019171.
Long QT syndrome (LQTS). Identifiers: MedGen C0023976, MeSH D008133, MONDO:0002442. Disease mechanism: loss of function. Inheritance: Various modes of inheritance.
Cardiac arrhythmia, ankyrin-B-related. Also called: ANKYRIN-B SYNDROME. Identifiers: Orphanet 101016, Orphanet 768, MedGen C1970119, MONDO:0010958, OMIM 600919.

Allele frequency attached by ClinVar (database versions not stated): TOPMed below 0.00001; ExAC 0.00003; gnomAD exomes 0.00002 and 0.00003; gnomAD 0.00001.
gnomAD v4.1: 33 of 1,613,468 alleles (0.002%); highest among the groups gnomAD compares: East Asian, 0.074%; no homozygotes.

Submissions (3):

Labcorp Genetics (formerly Invitae), Labcorp
Classification: Uncertain significance for Long QT syndrome. Last evaluated: 2018-09-13. Review status: criteria provided, single submitter. Criteria: Invitae Variant Classification Sherloc (09022015). Collection method: clinical testing. Allele origin: germline.
Comment: In summary, the available evidence is currently insufficient to determine the role of this variant in disease. Therefore, it has been classified as a Variant of Uncertain Significance. Algorithms developed to predict the effect of missense changes on protein structure and function are either unavailable or do not agree on the potential impact of this missense change (SIFT: "Tolerated"; PolyPhen-2: "Probably Damaging"; Align-GVGD: "Class C0"). This variant has been observed in several individuals affected with long QT syndrome or Brugada syndrome (PMID: 16864073, 27784853). This variant is also known as c.4603T>A p.W1535R in the literature. ClinVar contains an entry for this variant (Variation ID: 67596). This variant is present in population databases (rs199473346, ExAC 0.05%). This sequence change replaces tryptophan with arginine at codon 3620 of the ANK2 protein (p.Trp3620Arg). The tryptophan residue is highly conserved and there is a moderate physicochemical difference between tryptophan and arginine.

Illumina Laboratory Services, Illumina
Classification: Likely pathogenic for Cardiac arrhythmia, ankyrin-B-related. Last evaluated: 2017-05-03. Review status: criteria provided, single submitter. Criteria: ICSL Variant Classification Criteria 09 May 2019. Collection method: clinical testing. Allele origin: germline.
Comment: The ANK2 c.10858T>A (p.Trp3620Arg) missense variant, frequently referred to as c.4603 T>A (p.Trp1535Arg), is reported in three studies and has been identified in a heterozygous state at least seven individuals of Japanese ancestry with cardiac arrhythmias. This includes five individuals with long QT syndrome (LQTS), one individual with Brugada syndrome, and one individual with ventricular arrhythmia. The p.Trp1535Arg variant is also reported in one individual with suspected LQTS, an asymptomatic child with borderline QT prolongation and a family history of sudden cardiac death. Segregation information is not available for these individuals (Zhou et al. 2006; Ichikawa et al. 2016; Nishiyama et al. 2017). The p.Trp3620Arg variant was absent from 150 Japanese controls and is reported at a frequency of 0.00046 in the East Asian population of the Exome Aggregation Consortium. Based on the evidence, the p.Trp3620Arg variant is classified aslikely pathogenic for ANK2-related disorders. This variant was observed by ICSL as part of a predisposition screen in an ostensibly healthy population.

Cardiovascular Biomedical Research Unit, Royal Brompton & Harefield NHS Foundation Trust
No classification provided. Condition: Familial long QT syndrome. Review status: no classification provided. Collection method: literature only. Allele origin: germline. Not counted in ClinVar's aggregate classification.
Comment: This variant has been reported as associated with Long QT syndrome in the following publications (PMID:16864073). This is a literature report, and does not necessarily reflect the clinical interpretation of the Imperial College / Royal Brompton Cardiovascular Genetics laboratory.

Literature cited by the submitters: PubMed 16864073 (cited by 3 submitters); PubMed 27784853 (cited by Labcorp Genetics (formerly Invitae), Labcorp and Illumina Laboratory Services, Illumina); PubMed 28736713 (cited by Illumina Laboratory Services, Illumina); PubMed 22581653 (cited by Cardiovascular Biomedical Research Unit, Royal Brompton & Harefield NHS Foundation Trust).